The following is an entry in ClinVar:

NM_172364.5(CACNA2D4):c.2524G>A (p.Val842Met)

Gene: CACNA2D4 (calcium voltage-gated channel auxiliary subunit alpha2delta 4; minus strand). Cytogenetic location: 12p13.33.
Variant type: single nucleotide variant.
Coding change: c.2524G>A on transcript NM_172364.5 (MANE Select); coding-DNA position 2524, G replaced by A.
Protein change: p.Val842Met; replaces valine 842 with methionine.
Molecular consequence: missense variant.
Genome position (GRCh38, 1-based): chr12:1,840,766, C>T on the plus strand (G>A on the coding strand, the complement: CACNA2D4 is on the minus strand). VCF-style: chr12-1840766-C-T. GRCh37 (hg19) VCF-style: chr12-1949932-C-T.
Other names: short protein forms V842M.
Identifiers: ClinVar variation 307846 (VCV000307846.14), dbSNP rs200977656, ClinGen allele CA6386655.
Genomic context (GRCh38, chr12:1,840,766, plus strand): 5'-TCCTGGCCTCAACACCACAAGGGCCGTTCCTACCTGCAGCAATGGCTGTCCTCTTGTCCA[C>T]GGTCACCGCCACAGCTGTGCTTGCCGTCACCACCATGGGTTCACCCGCACTTTCTGGGGA-3'
Protein context (NP_758952.4, residues 832-852): VTASTAVAVT[Val842Met]DKRTAIAAAA

ClinVar aggregate classification (germline): Conflicting classifications of pathogenicity. Review status: criteria provided, conflicting classifications (1 of 4 stars). 4 submissions from 4 submitters: Uncertain significance (3); Benign (1). Last evaluated 2026-01-13.

Conditions:
Retinal cone dystrophy 4 (RCD4). Identifiers: Orphanet 1872, MedGen C1864849, MONDO:0012507, OMIM 610478.

Allele frequency attached by ClinVar (database versions not stated): gnomAD 0.00017 and 0.00015; 1000 Genomes Project 0.00020; gnomAD exomes 0.00020 and 0.00033; 1000 Genomes Project 30x 0.00016; TOPMed 0.00022; ESP Exome Variant Server 0.00031; ExAC 0.00040.
gnomAD v4.1: 320 of 1,613,868 alleles (0.02%); highest among the groups gnomAD compares: South Asian, 0.14%; 1 homozygote.

Submissions (4):

Labcorp Genetics (formerly Invitae), Labcorp
Classification: Uncertain significance. Last evaluated: 2026-01-13. Review status: criteria provided, single submitter. Criteria: Invitae Variant Classification Sherloc (09022015). Collection method: clinical testing. Allele origin: germline.
Comment: This sequence change replaces valine, which is neutral and non-polar, with methionine, which is neutral and non-polar, at codon 842 of the CACNA2D4 protein (p.Val842Met). This variant is present in population databases (rs200977656, gnomAD 0.1%), and has an allele count higher than expected for a pathogenic variant. This variant has not been reported in the literature in individuals affected with CACNA2D4-related conditions. ClinVar contains an entry for this variant (Variation ID: 307846). An algorithm developed to predict the effect of missense changes on protein structure and function outputs the following: PolyPhen-2: "Benign". The methionine amino acid residue is found in multiple mammalian species, which suggests that this missense change does not adversely affect protein function. In summary, the available evidence is currently insufficient to determine the role of this variant in disease. Therefore, it has been classified as a Variant of Uncertain Significance.

Blueprint Genetics
Classification: Benign. Last evaluated: 2024-11-13. Review status: criteria provided, single submitter. Criteria: ACMG Guidelines, 2015. Collection method: clinical testing. Allele origin: germline.

Illumina Laboratory Services, Illumina
Classification: Uncertain significance for Retinal cone dystrophy 4. Last evaluated: 2018-01-13. Review status: criteria provided, single submitter. Criteria: ICSL Variant Classification Criteria 13 December 2019. Collection method: clinical testing. Allele origin: germline.

Breakthrough Genomics
Classification: Uncertain significance. Review status: criteria provided, single submitter. Criteria: ACMG Guidelines, 2015. Collection method: not provided. Allele origin: germline. Inheritance: Autosomal recessive inheritance. Affected: yes.